The following is an entry in ClinVar:

ClinVar aggregate classification (germline): Uncertain significance. Review status: criteria provided, multiple submitters, no conflicts (2 of 4 stars). 2 submissions from 2 submitters: Uncertain significance (2). Last evaluated 2022-07-07.

Conditions:
Familial thoracic aortic aneurysm and aortic dissection (TAAD). Also called: Thoracic aortic aneurysms and dissections. Identifiers: Orphanet 91387, MedGen C4707243, MONDO:0019625.

Allele frequency attached by ClinVar (database versions not stated): gnomAD exomes below 0.00001 and 0.00001; gnomAD 0.00001; ExAC 0.00002; TOPMed 0.00002.
gnomAD v4.1: 11 of 1,614,042 alleles (0.00068%); highest among the groups gnomAD compares: Admixed American, 0.0017%; no homozygotes.

Submissions (2):

Ambry Genetics
Classification: Uncertain significance for Familial thoracic aortic aneurysm and aortic dissection. Last evaluated: 2022-07-07. Review status: criteria provided, single submitter. Criteria: Ambry Variant Classification Scheme 2023. Collection method: clinical testing. Allele origin: germline.
Comment: The p.W162R variant (also known as c.484T>C), located in coding exon 2 of the SLC2A10 gene, results from a T to C substitution at nucleotide position 484. The tryptophan at codon 162 is replaced by arginine, an amino acid with dissimilar properties. This amino acid position is poorly conserved in available vertebrate species. In addition, this alteration is predicted to be tolerated by in silico analysis. Since supporting evidence is limited at this time, the clinical significance of this alteration remains unclear.

GeneDx
Classification: Uncertain significance. Last evaluated: 2017-10-16. Review status: criteria provided, single submitter. Criteria: GeneDx Variant Classification (06012015). Collection method: clinical testing. Allele origin: germline. Affected: yes.
Comment: A variant of uncertain significance has been identified in the SLC2A10 gene. The W162R variant has not been published as pathogenic or been reported as benign to our knowledge. This variant is not observed at a significant frequency in large population cohorts (Lek et al., 2016). The W162R variant is a non-conservative amino acid substitution, which is likely to impact secondary protein structure as these residues differ in polarity, charge, size and/or other properties. However, this substitution occurs at a position that is not conserved across species and where arginine (R) is present as the wild type in multiple species. Finally, in silico analysis predicts this variant likely does not alter the protein structure/function.

NM_030777.4(SLC2A10):c.484T>C (p.Trp162Arg)

Gene: SLC2A10 (solute carrier family 2 member 10; plus strand). Cytogenetic location: 20q13.12.
Variant type: single nucleotide variant.
Coding change: c.484T>C on transcript NM_030777.4 (MANE Select); coding-DNA position 484, T replaced by C.
Protein change: p.Trp162Arg; replaces tryptophan 162 with arginine.
Molecular consequence: missense variant.
Genome position (GRCh38, 1-based): chr20:46,725,520, T>C. VCF-style: chr20-46725520-T-C. GRCh37 (hg19) VCF-style: chr20-45354159-T-C.
Other names: short protein forms W162R.
Identifiers: ClinVar variation 452820 (VCV000452820.4), dbSNP rs755925085, ClinGen allele CA9891986.